The following is an entry in ClinVar:

ClinVar aggregate classification (germline): Likely benign. Review status: criteria provided, multiple submitters, no conflicts (2 of 4 stars). 2 submissions from 2 submitters: Likely benign (2). Last evaluated 2026-04-13.

Conditions:
TRPM1-related disorder. Also called: TRPM1-related condition.

gnomAD v4.1: 39 of 1,613,728 alleles (0.0024%); highest among the groups gnomAD compares: Non-Finnish European, 0.0032%; no homozygotes.

Submissions (2):

PreventionGenetics, part of Exact Sciences
Classification: Likely benign for TRPM1-related condition. Last evaluated: 2026-04-13. Review status: criteria provided, single submitter. Criteria: ACMG Guidelines, 2015. Collection method: clinical testing. Allele origin: germline.
Comment: This variant is classified as likely benign based on ACMG/AMP sequence variant interpretation guidelines (Richards et al. 2015 PMID: 25741868, with internal and published modifications).

Labcorp Genetics (formerly Invitae), Labcorp
Classification: Likely benign. Last evaluated: 2025-09-16. Review status: criteria provided, single submitter. Criteria: Invitae Variant Classification Sherloc (09022015). Collection method: clinical testing. Allele origin: germline.

NM_001252024.2(TRPM1):c.2317-9G>C

Gene: TRPM1 (transient receptor potential cation channel subfamily M member 1; minus strand). Cytogenetic location: 15q13.3.
Variant type: single nucleotide variant.
Coding change: c.2317-9G>C on transcript NM_001252024.2 (MANE Select); 9 bases into the intron before coding-DNA position 2317, G replaced by C.
Molecular consequence: intron variant.
Genome position (GRCh38, 1-based): chr15:31,038,175, C>G on the plus strand (G>C on the coding strand, the complement: TRPM1 is on the minus strand). VCF-style: chr15-31038175-C-G. GRCh37 (hg19) VCF-style: chr15-31330378-C-G.
Other names: c.2368-9G>C (NM_001252020.2, NM_001252020.1); c.2251-9G>C (NM_002420.6).
Identifiers: ClinVar variation 3611460 (VCV003611460.3).